The following is an entry in ClinVar:

ClinVar aggregate classification (germline): Uncertain significance (1 of 4 stars; one submission).

Submission:

GeneDx
Classification: Uncertain significance. Last evaluated: 2023-03-29. Review status: criteria provided, single submitter. Criteria: GeneDx Variant Classification Process June 2021. Collection method: clinical testing. Allele origin: germline. Affected: yes.
Comment: Not observed at significant frequency in large population cohorts (gnomAD); Nonsense variant predicted to result in protein truncation or nonsense mediated decay in a gene or region of a gene for which loss of function is not a well-established mechanism of disease; Has not been previously published as pathogenic or benign to our knowledge

NM_003070.5(SMARCA2):c.1881T>A (p.Tyr627Ter)

Gene: SMARCA2 (SWI/SNF related BAF chromatin remodeling complex subunit ATPase 2; plus strand). Cytogenetic location: 9p24.3.
Variant type: single nucleotide variant.
Coding change: c.1881T>A on transcript NM_003070.5 (MANE Select); coding-DNA position 1881, T replaced by A.
Protein change: p.Tyr627Ter; replaces tyrosine 627 with a stop codon.
Molecular consequence: nonsense.
Genome position (GRCh38, 1-based): chr9:2,073,569, T>A. VCF-style: chr9-2073569-T-A. GRCh37 (hg19) VCF-style: chr9-2073569-T-A.
Other names: c.1881T>A, p.Tyr627Ter (NM_001289396.2, NM_001289397.2, NM_139045.4); short protein forms Y627*.
Identifiers: ClinVar variation 2662539 (VCV002662539.1), dbSNP rs771077074, ClinGen allele CA372783228.
Genomic context (GRCh38, chr9:2,073,569, plus strand): 5'-ATTGTATTGTAATTTAAAAAACTAAGCCCCCTCCTCTTCCTCACTCTTTTTCCTTAGTTA[T>A]GAAGTTGCCCCTAGATCTGACAGTGAAGAGAGTGATTCTGATTATGAGGAAGAGGTATGT-3'